The following is an entry in ClinVar:

ClinVar aggregate classification (germline): Uncertain significance (1 of 4 stars; one submission).

gnomAD v4.1: 1 of 1,614,234 alleles (0.000062%); highest among the groups gnomAD compares: Non-Finnish European, 0.000085%; no homozygotes.

Submission:

Women's Health and Genetics/Laboratory Corporation of America, LabCorp
Classification: Uncertain significance. Last evaluated: 2025-01-17. Review status: criteria provided, single submitter. Criteria: LabCorp Variant Classification Summary - May 2015. Collection method: clinical testing. Allele origin: germline.
Comment: Variant summary: CLCN6 c.574G>A (p.Ala192Thr) results in a non-conservative amino acid change in the encoded protein sequence. Five of five in-silico tools predict a damaging effect of the variant on protein function. The variant was absent in 251236 control chromosomes. The available data on variant occurrences in the general population are insufficient to allow any conclusion about variant significance. To our knowledge, no occurrence of c.574G>A in individuals affected with Neurodegeneration, Childhood-Onset, With Hypotonia, Respiratory Insufficiency, And Brain Imaging Abnormalities and no experimental evidence demonstrating its impact on protein function have been reported. No submitters have cited clinical-significance assessments for this variant to ClinVar. Based on the evidence outlined above, the variant was classified as uncertain significance.

NM_001286.5(CLCN6):c.574G>A (p.Ala192Thr)

Gene: CLCN6 (chloride voltage-gated channel 6; plus strand). Cytogenetic location: 1p36.22.
Variant type: single nucleotide variant.
Coding change: c.574G>A on transcript NM_001286.5 (MANE Select); coding-DNA position 574, G replaced by A.
Protein change: p.Ala192Thr; replaces alanine 192 with threonine.
Molecular consequence: missense variant. On other transcripts: non-coding transcript variant (1).
Genome position (GRCh38, 1-based): chr1:11,823,827, G>A. VCF-style: chr1-11823827-G-A. GRCh37 (hg19) VCF-style: chr1-11883884-G-A.
Other names: c.508G>A, p.Ala170Thr (NM_001256959.2); short protein forms A170T, A192T.
Identifiers: ClinVar variation 3769546 (VCV003769546.2).